The following is an entry in ClinVar:

NM_201525.4(ADGRG1):c.235C>T (p.Arg79Ter)

Gene: ADGRG1 (adhesion G protein-coupled receptor G1; plus strand). Cytogenetic location: 16q21.
Variant type: single nucleotide variant.
Coding change: c.235C>T on transcript NM_201525.4 (MANE Select); coding-DNA position 235, C replaced by T.
Protein change: p.Arg79Ter; replaces arginine 79 with a stop codon.
Molecular consequence: nonsense. On other transcripts: 5 prime UTR variant (5), intron variant (1).
Genome position (GRCh38, 1-based): chr16:57,651,370, C>T. VCF-style: chr16-57651370-C-T. GRCh37 (hg19) VCF-style: chr16-57685282-C-T.
Other names: c.235C>T, p.Arg79Ter (NM_001145770.3, NM_001145771.3, NM_001145772.3 and 16 more transcripts); c.250C>T, p.Arg84Ter (NM_001145773.3, NM_001370433.1); c.-291C>T (NM_001290143.2, NM_001290144.2, NM_001370451.1 and 2 more transcripts); c.79C>T, p.Arg27Ter (NM_001370442.1); c.110+125C>T (NM_001290142.2); c.235C>T (NM_201525.3, NM_005682.6); short protein forms R79*, R84*, R27*.
Identifiers: ClinVar variation 430049 (VCV000430049.23), dbSNP rs780718243, ClinGen allele CA396042599.

ClinVar aggregate classification (germline): Pathogenic. Review status: criteria provided, multiple submitters, no conflicts (2 of 4 stars). 9 submissions from 9 submitters: Pathogenic (9). Last evaluated 2026-06-01.

Conditions:
Bilateral frontoparietal polymicrogyria. Also called: CORTICAL DYSPLASIA, COMPLEX, WITH OTHER BRAIN MALFORMATIONS 14A (BILATERAL FRONTOPARIETAL); CEREBELLAR ATAXIA WITH NEURONAL MIGRATION DEFECT. Identifiers: Orphanet 101070, MedGen C1847352, MONDO:0011738, OMIM 606854.
Polymicrogyria, bilateral perisylvian, autosomal recessive (CDCBM14B). Also called: CORTICAL DYSPLASIA, COMPLEX, WITH OTHER BRAIN MALFORMATIONS 14B (BILATERAL PERISYLVIAN). Identifiers: MedGen C3810405, MONDO:0014333, OMIM 615752.

Allele frequency attached by ClinVar (database versions not stated): gnomAD 0.00001; TOPMed 0.00001.

Submissions (9):

CeGaT Center for Human Genetics Tuebingen
Classification: Pathogenic. Last evaluated: 2026-06-01. Review status: criteria provided, single submitter. Criteria: CeGaT Center For Human Genetics Tuebingen Variant Classification Criteria Version 2. Collection method: clinical testing. Allele origin: germline. Affected: yes. Observed: 1 variant allele.
Comment: ADGRG1: PVS1, PM2, PM3:Supporting

Labcorp Genetics (formerly Invitae), Labcorp
Classification: Pathogenic. Last evaluated: 2025-12-25. Review status: criteria provided, single submitter. Criteria: Invitae Variant Classification Sherloc (09022015). Collection method: clinical testing. Allele origin: germline.
Comment: This sequence change creates a premature translational stop signal (p.Arg79*) in the ADGRG1 gene. It is expected to result in an absent or disrupted protein product. Loss-of-function variants in ADGRG1 are known to be pathogenic (PMID: 15044805, 20929962). This variant is present in population databases (no rsID available, gnomAD 0.006%). This premature translational stop signal has been observed in individual(s) with bilateral frontoparietal polymicrogyria (PMID: 19016831). ClinVar contains an entry for this variant (Variation ID: 430049). For these reasons, this variant has been classified as Pathogenic.

Natera, Inc.
Classification: Pathogenic for Bilateral frontoparietal polymicrogyria. Last evaluated: 2025-11-28. Review status: criteria provided, single submitter. Criteria: Natera Variant Classification Schema (03/2026). Collection method: clinical testing. Allele origin: germline.
Comment: The c.235C>T variant in ADGRG1 is a nonsense variant predicted to introduce a stop codon at amino acid 79. This variant is expected to result in nonsense mediated decay, truncation, or a dysfunctional protein product. This variant is rare in the general population with a frequency below the threshold expected for the associated phenotype(s). This variant has been observed in one or more individuals affected with the associated recessive disease, as either homozygous or compound heterozygous with a second variant (PMID: 19016831, 33453472). Given the available evidence, this variant is classified as Pathogenic.

GeneDx
Classification: Pathogenic. Last evaluated: 2025-07-13. Review status: criteria provided, single submitter. Criteria: GeneDx Variant Classification Process June 2021. Collection method: clinical testing. Allele origin: germline. Affected: yes.
Comment: Nonsense variant predicted to result in protein truncation or nonsense mediated decay in a gene for which loss-of-function is a known mechanism of disease; Not observed at significant frequency in large population cohorts (gnomAD); This variant is associated with the following publications: (PMID: 23001883, 25642806, 19016831, 32404165, 33453472, 35097086, 35186395, 37178061)

3billion
Classification: Pathogenic for Bilateral frontoparietal polymicrogyria. Last evaluated: 2025-03-19. Review status: criteria provided, single submitter. Criteria: ACMG Guidelines, 2015. Collection method: clinical testing. Allele origin: germline. Affected: yes.

Fulgent Genetics
Classification: Pathogenic for Bilateral frontoparietal polymicrogyria; Polymicrogyria, bilateral perisylvian, autosomal recessive. Last evaluated: 2024-03-14. Review status: criteria provided, single submitter. Criteria: ACMG Guidelines, 2015. Collection method: clinical testing. Allele origin: germline.

Department of Pathology and Laboratory Medicine, Sinai Health System
Classification: Pathogenic for Polymicrogyria, bilateral perisylvian, autosomal recessive; Bilateral frontoparietal polymicrogyria. Last evaluated: 2022-06-09. Review status: criteria provided, single submitter. Criteria: ACMG Guidelines, 2015. Collection method: research. Allele origin: germline.

Revvity Omics, Revvity
Classification: Pathogenic. Last evaluated: 2021-11-15. Review status: criteria provided, single submitter. Criteria: ACMG Guidelines, 2015. Collection method: clinical testing. Allele origin: germline.

Victorian Clinical Genetics Services, Murdoch Childrens Research Institute
Classification: Pathogenic for Bilateral frontoparietal polymicrogyria. Last evaluated: 2021-05-06. Review status: criteria provided, single submitter. Criteria: ACMG Guidelines, 2015. Collection method: clinical testing. Allele origin: germline. Inheritance: Autosomal recessive inheritance. Affected: yes.
Comment: Based on the classification scheme VCGS_Germline_v1.3.4, this variant is classified as Pathogenic. Following criteria are met: 0102 - Loss of function is a known mechanism of disease in this gene and is associated with bilateral frontoparietal polymicrogyria (MIM#606854). (I) 0106 - This gene is associated with autosomal recessive disease. (I) 0201 - Variant is predicted to cause nonsense-mediated decay (NMD) and loss of protein (premature termination codon is located at least 54 nucleotides upstream of the final exon-exon junction). (SP) 0252 - This variant is homozygous. (I) 0304 - Variant is present in gnomAD (v2) <0.01 for a recessive condition (2 heterozygotes, 0 homozygotes). (SP) 0701 - Other NMD-predicted variants comparable to the one identified in this case have very strong previous evidence for pathogenicity. These variants have been reported many times as pathogenic, and observed in patients with bilateral frontoparietal polymicrogyria (BFPP) (ClinVar, PMID: 25642806). (SP) 0803 - This variant has limited previous evidence of pathogenicity in unrelated individuals. This variant has been reported as pathogenic (ClinVar), and observed in a homozygous patient with BFPP (PMID: 19016831). (SP) 1102 - Strong phenotype match for this individual. (SP) 1208 - Inheritance information for this variant is not currently available in this individual. (I) Legend: (SP) - Supporting pathogenic, (I) - Information, (SB) - Supporting benign

Literature cited by the submitters: PubMed 15044805 (cited by Labcorp Genetics (formerly Invitae), Labcorp); PubMed 20929962 (cited by Labcorp Genetics (formerly Invitae), Labcorp); PubMed 19016831 (cited by 4 submitters); PubMed 33453472 (cited by Natera, Inc.); PubMed 25642806 (cited by Victorian Clinical Genetics Services, Murdoch Childrens Research Institute).